The following is an entry in ClinVar:

ClinVar aggregate classification (germline): Uncertain significance. Review status: criteria provided, multiple submitters, no conflicts (2 of 4 stars). 2 submissions from 2 submitters: Uncertain significance (2). Last evaluated 2025-02-26.

Conditions:
Brachyolmia-amelogenesis imperfecta syndrome. Also called: Tooth agenesis, selective, 6; Dental anomalies and short stature; PLATYSPONDYLY WITH AMELOGENESIS IMPERFECTA. Identifiers: Orphanet 2899, MedGen C1832594, MONDO:0011018, OMIM 601216. Disease mechanism: loss of function.

Allele frequency attached by ClinVar (database versions not stated): gnomAD 0.00001; gnomAD exomes 0.00001.
gnomAD v4.1: 4 of 1,569,996 alleles (0.00025%); highest among the groups gnomAD compares: African/African-American, 0.0027%; no homozygotes.

Submissions (2):

Labcorp Genetics (formerly Invitae), Labcorp
Classification: Uncertain significance for Brachyolmia-amelogenesis imperfecta syndrome. Last evaluated: 2025-02-26. Review status: criteria provided, single submitter. Criteria: Invitae Variant Classification Sherloc (09022015). Collection method: clinical testing. Allele origin: germline.
Comment: This sequence change falls in intron 26 of the LTBP3 gene. It does not directly change the encoded amino acid sequence of the LTBP3 protein. It affects a nucleotide within the consensus splice site. This variant is present in population databases (no rsID available, gnomAD 0.004%). This variant has not been reported in the literature in individuals affected with LTBP3-related conditions. ClinVar contains an entry for this variant (Variation ID: 1357543). Variants that disrupt the consensus splice site are a relatively common cause of aberrant splicing (PMID: 17576681, 9536098). Algorithms developed to predict the effect of sequence changes on RNA splicing suggest that this variant is not likely to affect RNA splicing. In summary, the available evidence is currently insufficient to determine the role of this variant in disease. Therefore, it has been classified as a Variant of Uncertain Significance.

Blueprint Genetics
Classification: Uncertain significance. Last evaluated: 2019-04-05. Review status: criteria provided, single submitter. Criteria: ACMG Guidelines, 2015. Collection method: clinical testing. Allele origin: germline.

Literature cited by the submitters: PubMed 17576681 (cited by Labcorp Genetics (formerly Invitae), Labcorp); PubMed 9536098 (cited by Labcorp Genetics (formerly Invitae), Labcorp).

NM_001130144.3(LTBP3):c.3629-3C>T

Gene: LTBP3 (latent transforming growth factor beta binding protein 3; minus strand). Cytogenetic location: 11q13.1.
Variant type: single nucleotide variant.
Coding change: c.3629-3C>T on transcript NM_001130144.3 (MANE Select); 3 bases into the intron before coding-DNA position 3629, C replaced by T.
Molecular consequence: intron variant.
Genome position (GRCh38, 1-based): chr11:65,539,462, G>A on the plus strand (C>T on the coding strand, the complement: LTBP3 is on the minus strand). VCF-style: chr11-65539462-G-A. GRCh37 (hg19) VCF-style: chr11-65306933-G-A.
Other names: c.3137-3C>T (NM_001164266.1); c.3488-3C>T (NM_021070.4).
Identifiers: ClinVar variation 1357543 (VCV001357543.7), dbSNP rs1246072463, ClinGen allele CA600226237.